The following is an entry in ClinVar:

NM_001379500.1(COL18A1):c.3660C>T (p.Ala1220=)

Genes: COL18A1 (collagen type XVIII alpha 1 chain; plus strand), SLC19A1 (solute carrier family 19 member 1; minus strand). Cytogenetic location: 21q22.3.
Variant type: single nucleotide variant.
Coding change: c.3660C>T on transcript NM_001379500.1 (MANE Select); coding-DNA position 3660, C replaced by T.
Protein change: p.Ala1220=; no amino-acid change (alanine 1220 retained).
Molecular consequence: synonymous variant.
Genome position (GRCh38, 1-based): chr21:45,510,228, C>T. VCF-style: chr21-45510228-C-T. GRCh37 (hg19) VCF-style: chr21-46930142-C-T.
Other names: c.4191C>T (NM_030582.3); c.4191C>T, p.Ala1397= (NM_030582.4); c.4896C>T, p.Ala1632= (NM_130444.3).
Identifiers: ClinVar variation 1646135 (VCV001646135.9), dbSNP rs367565307, ClinGen allele CA10067992.

ClinVar aggregate classification (germline): Likely benign. Review status: criteria provided, multiple submitters, no conflicts (2 of 4 stars). 2 submissions from 2 submitters: Likely benign (2). Last evaluated 2025-11-10.

Conditions:
COL18A1-related disorder. Also called: COL18A1-related disorders; COL18A1-related condition.

Allele frequency attached by ClinVar (database versions not stated): gnomAD 0.00001; gnomAD exomes 0.00005; TOPMed 0.00006; ESP Exome Variant Server 0.00008; ExAC 0.00012.
gnomAD v4.1: 47 of 1,606,320 alleles (0.0029%); highest among the groups gnomAD compares: Middle Eastern, 0.016%; no homozygotes.

Submissions (2):

Labcorp Genetics (formerly Invitae), Labcorp
Classification: Likely benign. Last evaluated: 2025-11-10. Review status: criteria provided, single submitter. Criteria: Invitae Variant Classification Sherloc (09022015). Collection method: clinical testing. Allele origin: germline.

PreventionGenetics, part of Exact Sciences
Classification: Likely benign for COL18A1-related condition. Last evaluated: 2025-03-12. Review status: criteria provided, single submitter. Criteria: ACMG Guidelines, 2015. Collection method: clinical testing. Allele origin: germline.
Comment: This variant is classified as likely benign based on ACMG/AMP sequence variant interpretation guidelines (Richards et al. 2015 PMID: 25741868, with internal and published modifications).